The following is an entry in ClinVar:

ClinVar aggregate classification (germline): Conflicting classifications of pathogenicity. Review status: criteria provided, conflicting classifications (1 of 4 stars). 6 submissions from 6 submitters: Pathogenic (2); Likely pathogenic (1); Uncertain significance (1). 2 of the submissions do not count toward it. Last evaluated 2025-09-25.

Conditions:
Hereditary spastic paraplegia 35. Also called: Spastic paraplegia 35; SPASTIC PARAPLEGIA 35, AUTOSOMAL RECESSIVE, WITH OR WITHOUT NEURODEGENERATION; LEUKODYSTROPHY, DYSMYELINATING, AND SPASTIC PARAPARESIS WITH OR WITHOUT DYSTONIA; Spastic paraplegia 35, autosomal recessive. Identifiers: Orphanet 171629, MedGen C3496228, MONDO:0012866, OMIM 612319.
Intellectual disability. Also called: intellectual disabilities; Intellectual functioning disability; Intellectual developmental disorder. Identifiers: HP:0002543, MedGen C3714756, MeSH D008607, MONDO:0001071.

Allele frequency attached by ClinVar (database versions not stated): gnomAD exomes below 0.00001 and 0.00001; gnomAD 0.00001.
gnomAD v4.1: 14 of 1,613,916 alleles (0.00087%); highest among the groups gnomAD compares: African/African-American, 0.0013%; no homozygotes.

Submissions (6):

Women's Health and Genetics/Laboratory Corporation of America, LabCorp
Classification: Uncertain significance. Last evaluated: 2025-09-25. Review status: criteria provided, single submitter. Criteria: LabCorp Variant Classification Summary - May 2015. Collection method: clinical testing. Allele origin: germline.
Comment: Variant summary: FA2H c.703C>T (p.Arg235Cys) results in a non-conservative amino acid change located in the Fatty acid hydroxylase domain (IPR006694) of the encoded protein sequence. Algorithms developed to predict the effect of missense changes on protein structure and function all suggest that this variant is likely to be disruptive. The variant allele was found at a frequency of 4e-06 in 251222 control chromosomes. c.703C>T has been observed in a homozygous individual and a compound heterozygous individual affected with Neurodegeneration With Brain Iron Accumulation (Dick_2010, Lazaridis_2016). These data indicate that the variant may be associated with disease. At least one publication reports experimental evidence evaluating an impact on protein function and the most pronounced variant effect results in >50%-90% of normal activity (Dick_2010). The following publications have been ascertained in the context of this evaluation (PMID: 20104589, 33144682, 26944241, 30713878). ClinVar contains an entry for this variant (Variation ID: 30870). Based on the evidence outlined above, the variant was classified as VUS-possibly pathogenic.

GeneDx
Classification: Pathogenic. Last evaluated: 2023-01-09. Review status: criteria provided, single submitter. Criteria: GeneDx Variant Classification Process June 2021. Collection method: clinical testing. Allele origin: germline. Affected: yes.
Comment: Published functional studies demonstrate a reduction in 2-hydroxylated ceramide activity (Dick et al., 2010); In silico analysis supports that this missense variant has a deleterious effect on protein structure/function; Not observed at significant frequency in large population cohorts (gnomAD); This variant is associated with the following publications: (PMID: 26944241, 33144682, 20104589)

Revvity Omics, Revvity
Classification: Likely pathogenic for Hereditary spastic paraplegia 35. Last evaluated: 2022-12-14. Review status: criteria provided, single submitter. Criteria: ACMG Guidelines, 2015. Collection method: clinical testing. Allele origin: germline.

Cambridge Genomics Laboratory, East Genomic Laboratory Hub, NHS Genomic Medicine Service
Classification: Pathogenic for Intellectual disability. Last evaluated: 2020-04-03. Review status: criteria provided, single submitter. Criteria: ACGS Best Practice Guidelines for Variant Classification in Rare Disease 2020. Collection method: clinical testing. Allele origin: germline. Affected: yes. Observed: 1 variant allele.

Department of Genetics, Sultan Qaboos University Hospital
Classification: Likely pathogenic for Hereditary spastic paraplegia 35. Last evaluated: 2024-06-12. Review status: no assertion criteria provided. Collection method: curation. Allele origin: unknown. Affected: yes. Not counted in ClinVar's aggregate classification.

OMIM
Classification: Pathogenic for SPASTIC PARAPLEGIA 35, AUTOSOMAL RECESSIVE. Last evaluated: 2010-04-01. Review status: no assertion criteria provided. Collection method: literature only. Allele origin: germline. Not counted in ClinVar's aggregate classification.

Literature cited by the submitters: PubMed 20104589 (cited by Women's Health and Genetics/Laboratory Corporation of America, LabCorp and OMIM); PubMed 30713878 (cited by Women's Health and Genetics/Laboratory Corporation of America, LabCorp); PubMed 33144682 (cited by Women's Health and Genetics/Laboratory Corporation of America, LabCorp); PubMed 26944241 (cited by Women's Health and Genetics/Laboratory Corporation of America, LabCorp).

NM_024306.5(FA2H):c.703C>T (p.Arg235Cys)

Gene: FA2H (fatty acid 2-hydroxylase; minus strand). Cytogenetic location: 16q23.1.
Variant type: single nucleotide variant.
Coding change: c.703C>T on transcript NM_024306.5 (MANE Select); coding-DNA position 703, C replaced by T.
Protein change: p.Arg235Cys; replaces arginine 235 with cysteine.
Molecular consequence: missense variant.
Genome position (GRCh38, 1-based): chr16:74,719,071, G>A on the plus strand (C>T on the coding strand, the complement: FA2H is on the minus strand). VCF-style: chr16-74719071-G-A. GRCh37 (hg19) VCF-style: chr16-74752969-G-A.
Other names: short protein forms R235C.
Identifiers: ClinVar variation 30870 (VCV000030870.11), dbSNP rs387907039, ClinGen allele CA259927.